The following is an entry in ClinVar:

NM_170754.4(TNS2):c.3923G>A (p.Arg1308His)

Gene: TNS2 (tensin 2; plus strand). Cytogenetic location: 12q13.13.
Variant type: single nucleotide variant.
Coding change: c.3923G>A on transcript NM_170754.4 (MANE Select); coding-DNA position 3923, G replaced by A.
Protein change: p.Arg1308His; replaces arginine 1308 with histidine.
Molecular consequence: missense variant.
Genome position (GRCh38, 1-based): chr12:53,063,188, G>A. VCF-style: chr12-53063188-G-A. GRCh37 (hg19) VCF-style: chr12-53456972-G-A.
Other names: c.3923G>A, p.Arg1308His (NM_001416202.1); c.3881G>A, p.Arg1294His (NM_001416203.1); c.3950G>A, p.Arg1317His (NM_001416204.1); c.3854G>A, p.Arg1285His (NM_015319.3); c.3551G>A, p.Arg1184His (NM_198316.2); short protein forms R1308H, R1318H, R1184H, R1285H, R1294H, R1317H.
Identifiers: ClinVar variation 1947475 (VCV001947475.6), dbSNP rs141091775, ClinGen allele CA6593030.
Genomic context (GRCh38, chr12:53,063,188, plus strand): 5'-CACTGACGGGCCCCCAAGCTGTGGCCCGGGCCAGCTCTGCAGCTCTGAGCTGTAGCCCCC[G>A]CCCGACACCAGCTGTTGTCCACTTCAAGGTGTCAGCCCAGGGCATTACACTGACGGACAA-3'
Protein context (NP_736610.2, residues 1298-1318): ASSAALSCSP[Arg1308His]PTPAVVHFKV

ClinVar aggregate classification (germline): Uncertain significance. Review status: criteria provided, multiple submitters, no conflicts (2 of 4 stars). 2 submissions from 2 submitters: Uncertain significance (2). Last evaluated 2025-09-25.

Allele frequency attached by ClinVar (database versions not stated): gnomAD 0.00002; TOPMed 0.00002; ExAC 0.00003; ESP Exome Variant Server 0.00008.
gnomAD v4.1: 20 of 1,612,256 alleles (0.0012%); highest among the groups gnomAD compares: Middle Eastern, 0.016%; no homozygotes.

Submissions (2):

Ambry Genetics
Classification: Uncertain significance. Last evaluated: 2025-09-25. Review status: criteria provided, single submitter. Criteria: Ambry Variant Classification Scheme 2023. Collection method: clinical testing. Allele origin: germline.

Labcorp Genetics (formerly Invitae), Labcorp
Classification: Uncertain significance. Last evaluated: 2024-11-04. Review status: criteria provided, single submitter. Criteria: Invitae Variant Classification Sherloc (09022015). Collection method: clinical testing. Allele origin: germline.
Comment: This sequence change replaces arginine, which is basic and polar, with histidine, which is basic and polar, at codon 1318 of the TNS2 protein (p.Arg1318His). This variant is present in population databases (rs141091775, gnomAD 0.008%). This variant has not been reported in the literature in individuals affected with TNS2-related conditions. ClinVar contains an entry for this variant (Variation ID: 1947475). An algorithm developed to predict the effect of missense changes on protein structure and function (PolyPhen-2) suggests that this variant is likely to be tolerated. In summary, the available evidence is currently insufficient to determine the role of this variant in disease. Therefore, it has been classified as a Variant of Uncertain Significance.